The following is an entry in ClinVar:

ClinVar aggregate classification (germline): Benign. Review status: criteria provided, multiple submitters, no conflicts (2 of 4 stars). 6 submissions from 6 submitters: Benign (6). Last evaluated 2026-02-04.

Conditions:
Weill-Marchesani 4 syndrome, recessive. Also called: Weill-Marchesani syndrome 4. Identifiers: Orphanet 363992, MedGen C2750787, MONDO:0013176, OMIM 613195.

Allele frequency attached by ClinVar (database versions not stated): 1000 Genomes Project 30x 0.08245; TOPMed 0.08286; 1000 Genomes Project 0.08526; ExAC 0.08589; gnomAD 0.08618 and 0.08651; ESP Exome Variant Server 0.08811.
gnomAD v4.1: 144,810 of 1,613,994 alleles (9%); highest among the groups gnomAD compares: South Asian, 13%; 6,876 homozygotes.

Submissions (6):

Labcorp Genetics (formerly Invitae), Labcorp
Classification: Benign. Last evaluated: 2026-02-04. Review status: criteria provided, single submitter. Criteria: Invitae Variant Classification Sherloc (09022015). Collection method: clinical testing. Allele origin: germline.

Blueprint Genetics
Classification: Benign. Last evaluated: 2024-11-27. Review status: criteria provided, single submitter. Criteria: ACMG Guidelines, 2015. Collection method: clinical testing. Allele origin: germline.

Mayo Clinic Laboratories, Mayo Clinic
Classification: Benign. Last evaluated: 2022-04-26. Review status: criteria provided, single submitter. Criteria: ACMG Guidelines, 2015. Collection method: clinical testing. Allele origin: germline. Observed: 125 variant alleles.

GeneDx
Classification: Benign. Last evaluated: 2020-12-01. Review status: criteria provided, single submitter. Criteria: GeneDx Variant Classification Process June 2021. Collection method: clinical testing. Allele origin: germline. Affected: yes.

Illumina Laboratory Services, Illumina
Classification: Benign for Weill-Marchesani 4 syndrome, recessive. Last evaluated: 2018-01-12. Review status: criteria provided, single submitter. Criteria: ICSL Variant Classification Criteria 13 December 2019. Collection method: clinical testing. Allele origin: germline.
Comment: This variant was observed in the ICSL laboratory as part of a predisposition screen in an ostensibly healthy population. It had not been previously curated by ICSL or reported in the Human Gene Mutation Database (HGMD: prior to June 1st, 2018), and was therefore a candidate for classification through an automated scoring system. Utilizing variant allele frequency, disease prevalence and penetrance estimates, and inheritance mode, an automated score was calculated to assess if this variant is too frequent to cause the disease. Based on the score and internal cut-off values, a variant classified as benign is not then subjected to further curation. The score for this variant resulted in a classification of benign for this disease.

Breakthrough Genomics
Classification: Benign. Review status: criteria provided, single submitter. Criteria: ACMG Guidelines, 2015. Collection method: not provided. Allele origin: germline. Inheritance: Autosomal recessive inheritance. Affected: yes.

NM_139057.4(ADAMTS17):c.1962C>T (p.Asp654=)

Gene: ADAMTS17 (ADAM metallopeptidase with thrombospondin type 1 motif 17; minus strand). Cytogenetic location: 15q26.3.
Variant type: single nucleotide variant.
Coding change: c.1962C>T on transcript NM_139057.4 (MANE Select); coding-DNA position 1962, C replaced by T.
Protein change: p.Asp654=; no amino-acid change (aspartic acid 654 retained).
Molecular consequence: synonymous variant.
Genome position (GRCh38, 1-based): chr15:100,109,043, G>A on the plus strand (C>T on the coding strand, the complement: ADAMTS17 is on the minus strand). VCF-style: chr15-100109043-G-A. GRCh37 (hg19) VCF-style: chr15-100649248-G-A.
Other names: p.Asp654=.
Identifiers: ClinVar variation 315277 (VCV000315277.17), dbSNP rs61752832, ClinGen allele CA7757969.